The following is an entry in ClinVar:

ClinVar aggregate classification (germline): Uncertain significance. Review status: criteria provided, multiple submitters, no conflicts (2 of 4 stars). 2 submissions from 2 submitters: Uncertain significance (2). Last evaluated 2026-02-13.

Conditions:
Cardiovascular phenotype. Identifiers: MedGen CN230736.

Submissions (2):

Ambry Genetics
Classification: Uncertain significance for Cardiovascular phenotype. Last evaluated: 2026-02-13. Review status: criteria provided, single submitter. Criteria: Ambry Variant Classification Scheme 2023. Collection method: clinical testing. Allele origin: germline.
Comment: The p.K199N variant (also known as c.597G>C), located in coding exon 7 of the TRDN gene, results from a G to C substitution at nucleotide position 597. The lysine at codon 199 is replaced by asparagine, an amino acid with similar properties. This amino acid position is conserved. In addition, this alteration is predicted to be tolerated by in silico analysis. Based on the available evidence, the clinical significance of this variant remains unclear.

Women's Health and Genetics/Laboratory Corporation of America, LabCorp
Classification: Uncertain significance. Last evaluated: 2025-09-14. Review status: criteria provided, single submitter. Criteria: LabCorp Variant Classification Summary - May 2015. Collection method: clinical testing. Allele origin: germline.

NM_006073.4(TRDN):c.597G>C (p.Lys199Asn)

Gene: TRDN (triadin; minus strand). Cytogenetic location: 6q22.31.
Variant type: single nucleotide variant.
Coding change: c.597G>C on transcript NM_006073.4 (MANE Select); coding-DNA position 597, G replaced by C.
Protein change: p.Lys199Asn; replaces lysine 199 with asparagine.
Molecular consequence: missense variant.
Genome position (GRCh38, 1-based): chr6:123,512,316, C>G on the plus strand (G>C on the coding strand, the complement: TRDN is on the minus strand). VCF-style: chr6-123512316-C-G. GRCh37 (hg19) VCF-style: chr6-123833461-C-G.
Other names: c.597G>C, p.Lys199Asn (NM_001251987.2, NM_001256020.2, NM_001256021.2 and 1 more transcripts); c.597G>C (NM_006073.2); short protein forms K199N.
Identifiers: ClinVar variation 4535543 (VCV004535543.2).